The following is an entry in ClinVar:

ClinVar aggregate classification (germline): Likely benign. Review status: criteria provided, multiple submitters, no conflicts (2 of 4 stars). 2 submissions from 2 submitters: Likely benign (2). Last evaluated 2025-12-29.

Conditions:
ATL3-related disorder. Also called: ATL3-related condition.
Neuropathy, hereditary sensory, type 1F. Also called: HSN IF; Hereditary sensory neuropathy type IF. Identifiers: Orphanet 36386, MedGen C3810194, MONDO:0014286, OMIM 615632.

Allele frequency attached by ClinVar (database versions not stated): ESP Exome Variant Server 0.00009; gnomAD 0.00010 and 0.00011; gnomAD exomes 0.00002 and 0.00006; ExAC 0.00005; TOPMed 0.00007.
gnomAD v4.1: 53 of 1,611,660 alleles (0.0033%); highest among the groups gnomAD compares: African/African-American, 0.017%; no homozygotes.

Submissions (2):

PreventionGenetics, part of Exact Sciences
Classification: Likely benign for ATL3-related condition. Last evaluated: 2025-12-29. Review status: criteria provided, single submitter. Criteria: ACMG Guidelines, 2015. Collection method: clinical testing. Allele origin: germline.
Comment: This variant is classified as likely benign based on ACMG/AMP sequence variant interpretation guidelines (Richards et al. 2015 PMID: 25741868, with internal and published modifications).

Labcorp Genetics (formerly Invitae), Labcorp
Classification: Likely benign for Neuropathy, hereditary sensory, type 1F. Last evaluated: 2025-08-24. Review status: criteria provided, single submitter. Criteria: Invitae Variant Classification Sherloc (09022015). Collection method: clinical testing. Allele origin: germline.

NM_015459.5(ATL3):c.306G>A (p.Pro102=)

Genes: LNCROPM (lncRNA regulator of PLAAT3 mediated phospholipid metabolism; plus strand), ATL3 (atlastin GTPase 3; minus strand). Cytogenetic location: 11q13.1.
Variant type: single nucleotide variant.
Coding change: c.306G>A on transcript NM_015459.5 (MANE Select); coding-DNA position 306, G replaced by A.
Protein change: p.Pro102=; no amino-acid change (proline 102 retained).
Molecular consequence: synonymous variant.
Genome position (GRCh38, 1-based): chr11:63,658,860, C>T on the plus strand (G>A on the coding strand, the complement: ATL3 is on the minus strand). VCF-style: chr11-63658860-C-T. GRCh37 (hg19) VCF-style: chr11-63426332-C-T.
Other names: c.252G>A, p.Pro84= (NM_001290048.2).
Identifiers: ClinVar variation 771977 (VCV000771977.10), dbSNP rs371916555, ClinGen allele CA6063826.
Genomic context (GRCh38, chr11:63,658,860, plus strand): 5'-CCAGATTTGAATCCCAGTGGTTTCTGGATCAGATCCCCCTCTCCAGGAAAATCCTGTTAA[C>T]GGTTCTTCTGGGTCACCCAACCAATTTGAATGGCCACTTTCCTTCTACAGAAGTAAGAAA-3'
Protein context (NP_056274.3, residues 92-112): HSNWLGDPEE[Pro102=]LTGFSWRGGS